The following is an entry in ClinVar:

ClinVar aggregate classification (germline): Uncertain significance (1 of 4 stars; one submission).

gnomAD v4.1: 2 of 1,607,988 alleles (0.00012%); highest among the groups gnomAD compares: African/African-American, 0.0013%; no homozygotes.

Submission:

GeneDx
Classification: Uncertain significance. Last evaluated: 2024-11-19. Review status: criteria provided, single submitter. Criteria: GeneDx Variant Classification Process June 2021. Collection method: clinical testing. Allele origin: germline. Affected: yes.
Comment: Not observed at significant frequency in large population cohorts (gnomAD); In silico analysis supports that this missense variant has a deleterious effect on protein structure/function; Has not been previously published as pathogenic or benign to our knowledge

NM_173500.4(TTBK2):c.551C>T (p.Ala184Val)

Gene: TTBK2 (tau tubulin kinase 2; minus strand). Cytogenetic location: 15q15.2.
Variant type: single nucleotide variant.
Coding change: c.551C>T on transcript NM_173500.4 (MANE Select); coding-DNA position 551, C replaced by T.
Protein change: p.Ala184Val; replaces alanine 184 with valine.
Molecular consequence: missense variant.
Genome position (GRCh38, 1-based): chr15:42,817,084, G>A on the plus strand (C>T on the coding strand, the complement: TTBK2 is on the minus strand). VCF-style: chr15-42817084-G-A. GRCh37 (hg19) VCF-style: chr15-43109282-G-A.
Other names: short protein forms A184V.
Identifiers: ClinVar variation 3900472 (VCV003900472.1).